The following is an entry in ClinVar:

NM_000218.3(KCNQ1):c.1514+6865_1514+6866del

Genes: KCNQ1 (potassium voltage-gated channel subfamily Q member 1; plus strand), KCNQ1OT1 (KCNQ1 opposite strand/antisense transcript 1; minus strand). Cytogenetic location: 11p15.5.
Variant type: Deletion.
Coding change: c.1514+6865_1514+6866del on transcript NM_000218.3 (MANE Select); bases 6865 to 6866 of the intron after coding-DNA position 1514, 2 bases deleted (AC; older notation c.1514+6865_1514+6866delAC).
Molecular consequence: intron variant. On other transcripts: non-coding transcript variant (1).
Genome position (GRCh38, 1-based): chr11:2,668,946-2,668,947, AC deleted; deleting any 2 consecutive bases within chr11:2,668,945-2,668,947 gives the same sequence; the c. name uses the placement nearest the transcript's 3' end. VCF-style (leftmost placement, unchanged base first): chr11-2668944-GCA-G. GRCh37 (hg19) VCF-style: chr11-2690174-GCA-G.
Other names: c.1244+6865_1244+6866del (NM_001406837.1); c.1418+6865_1418+6866del (NM_001406836.1); c.974+6865_974+6866del (NM_001406838.1); c.1133+6865_1133+6866del (NM_181798.2).
Identifiers: ClinVar variation 2641465 (VCV002641465.24), dbSNP rs149225615, ClinGen allele CA216176730.

ClinVar aggregate classification (germline): Benign (1 of 4 stars; one submission).

Submission:

CeGaT Center for Human Genetics Tuebingen
Classification: Benign. Last evaluated: 2026-06-01. Review status: criteria provided, single submitter. Criteria: CeGaT Center For Human Genetics Tuebingen Variant Classification Criteria Version 2. Collection method: clinical testing. Allele origin: germline. Affected: yes. Observed: 12 variant alleles.
Comment: KCNQ1OT1: BS1, BS2